The following is an entry in ClinVar:

NM_001134363.3(RBM20):c.131C>G (p.Pro44Arg)

Gene: RBM20 (RNA binding motif protein 20; plus strand). Cytogenetic location: 10q25.2.
Variant type: single nucleotide variant.
Coding change: c.131C>G on transcript NM_001134363.3 (MANE Select); coding-DNA position 131, C replaced by G.
Protein change: p.Pro44Arg; replaces proline 44 with arginine.
Molecular consequence: missense variant.
Genome position (GRCh38, 1-based): chr10:110,644,585, C>G. VCF-style: chr10-110644585-C-G. GRCh37 (hg19) VCF-style: chr10-112404343-C-G.
Other names: short protein forms P44R.
Identifiers: ClinVar variation 2702018 (VCV002702018.3), dbSNP rs563500712, ClinGen allele CA378527803.

ClinVar aggregate classification (germline): Uncertain significance (1 of 4 stars; one submission).

Conditions:
Dilated cardiomyopathy 1DD (CMD1DD). Identifiers: Orphanet 154, MedGen C2750995, MONDO:0013168, OMIM 613172.

Submission:

Labcorp Genetics (formerly Invitae), Labcorp
Classification: Uncertain significance for Dilated cardiomyopathy 1DD. Last evaluated: 2023-12-10. Review status: criteria provided, single submitter. Criteria: Invitae Variant Classification Sherloc (09022015). Collection method: clinical testing. Allele origin: germline.
Comment: This sequence change replaces proline, which is neutral and non-polar, with arginine, which is basic and polar, at codon 44 of the RBM20 protein (p.Pro44Arg). This variant is not present in population databases (gnomAD no frequency). This variant has not been reported in the literature in individuals affected with RBM20-related conditions. Advanced modeling of protein sequence and biophysical properties (such as structural, functional, and spatial information, amino acid conservation, physicochemical variation, residue mobility, and thermodynamic stability) performed at Invitae indicates that this missense variant is not expected to disrupt RBM20 protein function with a negative predictive value of 95%. In summary, the available evidence is currently insufficient to determine the role of this variant in disease. Therefore, it has been classified as a Variant of Uncertain Significance.